The following is an entry in ClinVar:

ClinVar aggregate classification (germline): Pathogenic (1 of 4 stars; one submission).

Conditions:
Hereditary cancer-predisposing syndrome. Also called: Hereditary Cancer Syndrome; Hereditary neoplastic syndrome; Neoplastic Syndromes, Hereditary; Tumor predisposition. Identifiers: Orphanet 140162, MedGen C0027672, MeSH D009386, MONDO:0015356.

Submission:

Ambry Genetics
Classification: Pathogenic for Hereditary cancer-predisposing syndrome. Last evaluated: 2021-12-06. Review status: criteria provided, single submitter. Criteria: Ambry Variant Classification Scheme 2023. Collection method: clinical testing. Allele origin: germline.
Comment: The c.992dupA pathogenic mutation, located in coding exon 7 of the ATM gene, results from a duplication of A at nucleotide position 992, causing a translational frameshift with a predicted alternate stop codon (p.Y332Vfs*7). This variant is considered to be rare based on population cohorts in the Genome Aggregation Database (gnomAD). This alteration is expected to result in loss of function by premature protein truncation or nonsense-mediated mRNA decay. As such, this alteration is interpreted as a disease-causing mutation.

NM_000051.4(ATM):c.992dup (p.Tyr332fs)

Gene: ATM (ATM serine/threonine kinase; plus strand). Cytogenetic location: 11q22.3.
Variant type: Duplication.
Coding change: c.992dup on transcript NM_000051.4 (MANE Select); coding-DNA position 992, one base duplicated (A; older notation c.992dupA).
Protein change: p.Tyr332fs; shifts the reading frame from tyrosine 332.
Molecular consequence: frameshift variant.
Genome position (GRCh38, 1-based): chr11:108,247,054, A duplicated; the last of 3 consecutive A bases (chr11:108,247,052-108,247,054); duplicating any one gives the same sequence. VCF-style (leftmost placement, unchanged base first): chr11-108247051-G-GA. GRCh37 (hg19) VCF-style: chr11-108117778-G-GA.
Other names: c.992dup, p.Tyr332fs (NM_001351834.2); c.992dupA (NM_000051.3); short protein forms Y332fs.
Identifiers: ClinVar variation 1768640 (VCV001768640.2), dbSNP rs1060501684, ClinGen allele CA2580083745.